The following is an entry in ClinVar:

ClinVar aggregate classification (germline): Uncertain significance (1 of 4 stars; one submission).

Allele frequency attached by ClinVar (database versions not stated): TOPMed below 0.00001.
gnomAD v4.1: 1 of 1,599,906 alleles (0.000063%); highest among the groups gnomAD compares: African/African-American, 0.0013%; no homozygotes.

Submission:

GeneDx
Classification: Uncertain significance. Last evaluated: 2013-08-23. Review status: criteria provided, single submitter. Criteria: GeneDx Variant Classification (06012015). Collection method: clinical testing. Allele origin: germline. Affected: yes.
Comment: Missense variants in the TTN gene are considered 'unclassified' if they are not previously reported in the literature and do not have >1% frequency in the population to be considered a polymorphism. Research indicates that truncating mutations in the TTN gene are expected to account for approximately 25% of familial and 18% of sporadic idiopathic DCM; however, truncating variants in the TTN gene have been reported in approximately 3% of reported control alleles. There has been little investigation into non-truncating variants. (Herman D et al. Truncations of titin causing dilated cardiomyopathy. N Eng J Med 366:619-628, 2012) The variant is found in DCM panel(s).

NM_001267550.2(TTN):c.94204G>A (p.Ala31402Thr)

Genes: TTN (titin; minus strand), TTN-AS1 (TTN antisense RNA 1; plus strand). Cytogenetic location: 2q31.2.
Variant type: single nucleotide variant.
Coding change: c.94204G>A on transcript NM_001267550.2 (MANE Select); coding-DNA position 94204, G replaced by A.
Protein change: p.Ala31402Thr; replaces alanine 31402 with threonine.
Molecular consequence: missense variant.
Genome position (GRCh38, 1-based): chr2:178,547,422, C>T on the plus strand (G>A on the coding strand, the complement: TTN is on the minus strand). VCF-style: chr2-178547422-C-T. GRCh37 (hg19) VCF-style: chr2-179412149-C-T.
Other names: p.A29761T:GCT>ACT; c.89281G>A, p.Ala29761Thr (NM_001256850.1); c.67009G>A, p.Ala22337Thr (NM_003319.4); c.86500G>A, p.Ala28834Thr (NM_133378.4); c.67384G>A, p.Ala22462Thr (NM_133432.3); c.67585G>A, p.Ala22529Thr (NM_133437.4); short protein forms A29761T, A31402T, A22337T, A22462T, A22529T, A28834T.
Identifiers: ClinVar variation 203001 (VCV000203001.2), dbSNP rs794729537, ClinGen allele CA310941.